The following is an entry in ClinVar:

NM_017882.3(CLN6):c.565C>T (p.Leu189Phe)

Gene: CLN6 (CLN6 transmembrane ER protein; minus strand). Cytogenetic location: 15q23.
Variant type: single nucleotide variant.
Coding change: c.565C>T on transcript NM_017882.3 (MANE Select); coding-DNA position 565, C replaced by T.
Protein change: p.Leu189Phe; replaces leucine 189 with phenylalanine.
Molecular consequence: missense variant.
Genome position (GRCh38, 1-based): chr15:68,209,737, G>A on the plus strand (C>T on the coding strand, the complement: CLN6 is on the minus strand). VCF-style: chr15-68209737-G-A. GRCh37 (hg19) VCF-style: chr15-68502075-G-A.
Other names: c.661C>T, p.Leu221Phe (NM_001411068.1); short protein forms L221F, L189F.
Identifiers: ClinVar variation 2054040 (VCV002054040.1), dbSNP rs1419903827, ClinGen allele CA392973008.
Genomic context (GRCh38, chr15:68,209,737, plus strand): 5'-GCCCTGGAATCAAGCTCTCAGCTTTAGAGGCAGTAAAGCAGCCGCTGAAGTACATGAAGA[G>A]GATGAGGAAGAAGGGGATGTACCTGTGACAGGAAGGCCAGTGTCTTAGAGGCCTGCTCAG-3'
Protein context (NP_060352.1, residues 179-199): CMWYIPFFLI[Leu189Phe]FMYFSGCFTA

ClinVar aggregate classification (germline): Uncertain significance (1 of 4 stars; one submission).

Conditions:
Neuronal ceroid lipofuscinosis. Also called: Neuronal Ceroid Lipofuscinoses. Identifiers: Orphanet 216, Orphanet 79263, MedGen C0027877, MONDO:0016295. Disease mechanism: loss of function.

Allele frequency attached by ClinVar (database versions not stated): gnomAD exomes below 0.00001; gnomAD 0.00001; TOPMed 0.00001.
gnomAD v4.1: 5 of 1,613,582 alleles (0.00031%); highest among the groups gnomAD compares: Admixed American, 0.005%; no homozygotes.

Submission:

Labcorp Genetics (formerly Invitae), Labcorp
Classification: Uncertain significance for Neuronal ceroid lipofuscinosis. Last evaluated: 2022-05-30. Review status: criteria provided, single submitter. Criteria: Invitae Variant Classification Sherloc (09022015). Collection method: clinical testing. Allele origin: germline.
Comment: This sequence change replaces leucine, which is neutral and non-polar, with phenylalanine, which is neutral and non-polar, at codon 189 of the CLN6 protein (p.Leu189Phe). This variant is present in population databases (no rsID available, gnomAD 0.007%). This variant has not been reported in the literature in individuals affected with CLN6-related conditions. Algorithms developed to predict the effect of missense changes on protein structure and function are either unavailable or do not agree on the potential impact of this missense change (SIFT: "Deleterious"; PolyPhen-2: "Benign"; Align-GVGD: "Class C0"). In summary, the available evidence is currently insufficient to determine the role of this variant in disease. Therefore, it has been classified as a Variant of Uncertain Significance.